The following is an entry in ClinVar:

ClinVar aggregate classification (germline): Uncertain significance (1 of 4 stars; one submission).

Submission:

ARUP Laboratories, Molecular Genetics and Genomics, ARUP Laboratories
Classification: Uncertain significance. Last evaluated: 2018-07-25. Review status: criteria provided, single submitter. Criteria: ARUP Molecular Germline Variant Investigation Process. Collection method: clinical testing. Allele origin: germline.
Comment: The COL11A2 c.2928G>C variant, to our knowledge, has not been reported in the medical literature or gene specific databases. This variant is also absent from general population databases (1000 Genomes Project, Exome Variant Server, and Genome Aggregation Database), indicating it is not a common polymorphism. This variant does not alter the amino acid sequence of COL11A2 protein and affects a weakly conserved nucleotide (Alamut software v2.11). However, given its rarity in the general population and based on the available information, the clinical significance of this variant is uncertain.

NM_080680.3(COL11A2):c.2928G>C (p.Gly976=)

Gene: COL11A2 (collagen type XI alpha 2 chain; minus strand). Cytogenetic location: 6p21.32.
Variant type: single nucleotide variant.
Coding change: c.2928G>C on transcript NM_080680.3 (MANE Select); coding-DNA position 2928, G replaced by C.
Protein change: p.Gly976=; no amino-acid change (glycine 976 retained).
Molecular consequence: synonymous variant.
Genome position (GRCh38, 1-based): chr6:33,172,349, C>G on the plus strand (G>C on the coding strand, the complement: COL11A2 is on the minus strand). VCF-style: chr6-33172349-C-G. GRCh37 (hg19) VCF-style: chr6-33140126-C-G.
Other names: c.2607G>C, p.Gly869= (NM_080679.3); c.2670G>C, p.Gly890= (NM_080681.3).
Identifiers: ClinVar variation 811075 (VCV000811075.8), dbSNP rs147004824, ClinGen allele CA449880287.